The following is an entry in ClinVar:

NM_001083961.2(WDR62):c.3633C>T (p.Ala1211=)

Gene: WDR62 (WD repeat domain 62; plus strand). Cytogenetic location: 19q13.12.
Variant type: single nucleotide variant.
Coding change: c.3633C>T on transcript NM_001083961.2 (MANE Select); coding-DNA position 3633, C replaced by T.
Protein change: p.Ala1211=; no amino-acid change (alanine 1211 retained).
Molecular consequence: synonymous variant.
Genome position (GRCh38, 1-based): chr19:36,103,461, C>T. VCF-style: chr19-36103461-C-T. GRCh37 (hg19) VCF-style: chr19-36594363-C-T.
Other names: c.3618C>T, p.Ala1206= (NM_001411145.1, NM_173636.5); c.3384C>T, p.Ala1128= (NM_001411146.1); c.3282C>T, p.Ala1094= (NM_001411147.1).
Identifiers: ClinVar variation 3354576 (VCV003354576.1).

ClinVar aggregate classification (germline): Likely benign (0 of 4 stars; one submission).

Conditions:
WDR62-related disorder. Also called: WDR62-related condition.

gnomAD v4.1: 29 of 1,614,058 alleles (0.0018%); highest among the groups gnomAD compares: Non-Finnish European, 0.0025%; no homozygotes.

Submission:

PreventionGenetics, part of Exact Sciences
Classification: Likely benign for WDR62-related condition. Last evaluated: 2024-09-29. Review status: no assertion criteria provided. Collection method: clinical testing. Allele origin: germline.
Comment: This variant is classified as likely benign based on ACMG/AMP sequence variant interpretation guidelines (Richards et al. 2015 PMID: 25741868, with internal and published modifications).